The following is an entry in ClinVar:

ClinVar aggregate classification (germline): Conflicting classifications of pathogenicity. Review status: criteria provided, conflicting classifications (1 of 4 stars). 5 submissions from 5 submitters: Uncertain significance (3); Likely benign (1). 1 of the submissions does not count toward it. Last evaluated 2026-02-26.

Conditions:
Disorders of Intracellular Cobalamin Metabolism. Identifiers: MedGen CN043592.
Cobalamin C disease. Also called: Cobalamin-C methylmalonic acidemia and homocystinuria; Methylmalonic acidemia and homocystinuria cblC type; Methylmalonic aciduria and homocystinuria, Vitamin B12-responsive; Vitamin B12 metabolic defect with combined deficiency of methylmalonyl-CoA mutase and homocysteine:methyltetrahydrofolate methyltransferase; Methylmalonic aciduria with homocystinuria cblC type; methylmalonic aciduria and homocystinuria type cblC. Identifiers: Orphanet 26, Orphanet 79282, MedGen C1848561, MONDO:0010184, OMIM 277400.

Allele frequency attached by ClinVar (database versions not stated): gnomAD 0.00003; gnomAD exomes 0.00007 and 0.00033; TOPMed 0.00008; ExAC 0.00022.

Submissions (5):

Women's Health and Genetics/Laboratory Corporation of America, LabCorp
Classification: Uncertain significance. Last evaluated: 2026-02-26. Review status: criteria provided, single submitter. Criteria: LabCorp Variant Classification Summary - May 2015. Collection method: clinical testing. Allele origin: germline.
Comment: Variant summary: MMACHC c.326C>T (p.Pro109Leu) results in a non-conservative amino acid change in the encoded protein sequence. Algorithms developed to predict the effect of missense changes on protein structure and function all suggest that this variant is likely to be disruptive. The variant allele was found at a frequency of 0.00033 in 249452 control chromosomes. This frequency is not significantly higher than estimated for disease-causing variants in MMACHC, allowing no conclusion about variant significance. To our knowledge, no occurrence of c.326C>T in individuals affected with MMACHC-related conditions and no experimental evidence demonstrating its impact on protein function have been reported. ClinVar contains an entry for this variant (Variation ID: 297482). Based on the evidence outlined above, the variant was classified as uncertain significance.

Labcorp Genetics (formerly Invitae), Labcorp
Classification: Likely benign for Cobalamin C disease. Last evaluated: 2026-01-28. Review status: criteria provided, single submitter. Criteria: Invitae Variant Classification Sherloc (09022015). Collection method: clinical testing. Allele origin: germline.

Mayo Clinic Laboratories, Mayo Clinic
Classification: Uncertain significance. Last evaluated: 2022-11-30. Review status: criteria provided, single submitter. Criteria: ACMG Guidelines, 2015. Collection method: clinical testing. Allele origin: germline. Observed: 1 variant allele.
Comment: BS1, PP3

Illumina Laboratory Services, Illumina
Classification: Uncertain significance for Disorders of Intracellular Cobalamin Metabolism. Last evaluated: 2018-01-12. Review status: criteria provided, single submitter. Criteria: ICSL Variant Classification Criteria 13 December 2019. Collection method: clinical testing. Allele origin: germline.

Natera, Inc.
Classification: Likely benign for Methylmalonic aciduria and homocystinuria cblC type. Last evaluated: 2021-05-17. Review status: no assertion criteria provided. Collection method: clinical testing. Allele origin: germline. Not counted in ClinVar's aggregate classification.

NM_015506.3(MMACHC):c.326C>T (p.Pro109Leu)

Gene: MMACHC (metabolism of cobalamin associated C; plus strand). Cytogenetic location: 1p34.1.
Variant type: single nucleotide variant.
Coding change: c.326C>T on transcript NM_015506.3 (MANE Select); coding-DNA position 326, C replaced by T.
Protein change: p.Pro109Leu; replaces proline 109 with leucine.
Molecular consequence: missense variant.
Genome position (GRCh38, 1-based): chr1:45,508,261, C>T. VCF-style: chr1-45508261-C-T. GRCh37 (hg19) VCF-style: chr1-45973933-C-T.
Other names: p.Pro109Leu; c.155C>T, p.Pro52Leu (NM_001330540.2); short protein forms P109L, P52L.
Identifiers: ClinVar variation 297482 (VCV000297482.25), dbSNP rs747214324, ClinGen allele CA827702.